The following is an entry in ClinVar:

ClinVar aggregate classification (germline): Uncertain significance (1 of 4 stars; one submission).

Conditions:
Anterior segment dysgenesis 7 (ASGD7). Also called: Anterior segment dysgenesis 7, with sclerocornea; SCLEROCORNEA WITH OTHER OCULAR ANOMALIES. Identifiers: Orphanet 289499, MedGen C3151617, MONDO:0010015, OMIM 269400.

gnomAD v4.1: 2 of 1,594,978 alleles (0.00013%); highest among the groups gnomAD compares: Non-Finnish European, 0.00017%; no homozygotes.

Submission:

Labcorp Genetics (formerly Invitae), Labcorp
Classification: Uncertain significance for Anterior segment dysgenesis 7. Last evaluated: 2024-12-07. Review status: criteria provided, single submitter. Criteria: Invitae Variant Classification Sherloc (09022015). Collection method: clinical testing. Allele origin: germline.
Comment: This sequence change replaces threonine, which is neutral and polar, with isoleucine, which is neutral and non-polar, at codon 535 of the PXDN protein (p.Thr535Ile). This variant is not present in population databases (gnomAD no frequency). This variant has not been reported in the literature in individuals affected with PXDN-related conditions. Invitae Evidence Modeling of protein sequence and biophysical properties (such as structural, functional, and spatial information, amino acid conservation, physicochemical variation, residue mobility, and thermodynamic stability) indicates that this missense variant is not expected to disrupt PXDN protein function with a negative predictive value of 80%. In summary, the available evidence is currently insufficient to determine the role of this variant in disease. Therefore, it has been classified as a Variant of Uncertain Significance.

NM_012293.3(PXDN):c.1604C>T (p.Thr535Ile)

Gene: PXDN (peroxidasin; minus strand). Cytogenetic location: 2p25.3.
Variant type: single nucleotide variant.
Coding change: c.1604C>T on transcript NM_012293.3 (MANE Select); coding-DNA position 1604, C replaced by T.
Protein change: p.Thr535Ile; replaces threonine 535 with isoleucine.
Molecular consequence: missense variant.
Genome position (GRCh38, 1-based): chr2:1,662,148, G>A on the plus strand (C>T on the coding strand, the complement: PXDN is on the minus strand). VCF-style: chr2-1662148-G-A. GRCh37 (hg19) VCF-style: chr2-1665920-G-A.
Other names: short protein forms T535I.
Identifiers: ClinVar variation 3676890 (VCV003676890.2).